The following is an entry in ClinVar:

ClinVar aggregate classification (germline): Likely benign (0 of 4 stars; one submission).

Conditions:
PCLO-related disorder. Also called: PCLO-related condition.

Submission:

PreventionGenetics, part of Exact Sciences
Classification: Likely benign for PCLO-related condition. Last evaluated: 2021-04-01. Review status: no assertion criteria provided. Collection method: clinical testing. Allele origin: germline.
Comment: This variant is classified as likely benign based on ACMG/AMP sequence variant interpretation guidelines (Richards et al. 2015 PMID: 25741868, with internal and published modifications).

NM_033026.6(PCLO):c.7233_7274del (p.Pro2413_Pro2426del)

Gene: PCLO (piccolo presynaptic cytomatrix protein; minus strand). Cytogenetic location: 7q21.11.
Variant type: Deletion.
Coding change: c.7233_7274del on transcript NM_033026.6 (MANE Select); coding-DNA positions 7233 to 7274, 42 bases deleted.
Protein change: p.Pro2413_Pro2426del.
Genome position (GRCh38, 1-based): chr7:82,953,679-82,953,720, 42 bases deleted; deleting any 42 consecutive bases within chr7:82,953,679-82,953,734 gives the same sequence; the c. name uses the placement nearest the transcript's 3' end. GRCh37 (hg19): chr7:82,583,009-82,583,050.
Other names: c.7233_7274del, p.Pro2413_Pro2426del (NM_014510.3).
Identifiers: ClinVar variation 3036222 (VCV003036222.2), dbSNP rs1375213422, ClinGen allele CA4320330.